The following is an entry in ClinVar:

NM_001371623.1(TCOF1):c.2490_2499del (p.Val831fs)

Gene: TCOF1 (treacle ribosome biogenesis factor 1; plus strand). Cytogenetic location: 5q32.
Variant type: Deletion.
Coding change: c.2490_2499del on transcript NM_001371623.1 (MANE Select); coding-DNA positions 2490 to 2499, 10 bases deleted (AGTGAGAAAC; older notation c.2490_2499delAGTGAGAAAC).
Protein change: p.Val831fs; shifts the reading frame from valine 831.
Molecular consequence: frameshift variant.
Genome position (GRCh38, 1-based): chr5:150,379,240-150,379,249, AGTGAGAAAC deleted; deleting any 10 consecutive bases within chr5:150,379,239-150,379,249 gives the same sequence; the c. name uses the placement nearest the transcript's 3' end. VCF-style (leftmost placement, unchanged base first): chr5-150379238-CCAGTGAGAAA-C. GRCh37 (hg19) VCF-style: chr5-149758801-CCAGTGAGAAA-C.
Other names: c.2259_2268del, p.Val754fs (NM_000356.4, NM_001135245.2); c.2490_2499del, p.Val831fs (NM_001008657.3, NM_001135243.2, NM_001135244.2 and 1 more transcripts); c.2490_2499delAGTGAGAAAC (NM_001135243.1); short protein forms V754fs, V831fs.
Identifiers: ClinVar variation 817067 (VCV000817067.1), dbSNP rs1581138487, ClinGen allele CA915942677.

ClinVar aggregate classification (germline): Pathogenic (1 of 4 stars; one submission).

Submission:

GeneDx
Classification: Pathogenic. Last evaluated: 2018-07-12. Review status: criteria provided, single submitter. Criteria: GeneDx Variant Classification (06012015). Collection method: clinical testing. Allele origin: germline. Affected: yes.
Comment: The c.2490_2499del10 pathogenic variant in the TCOF1 gene causes a frameshift starting with codon Valine 831, changes this amino acid to a Proline residue and creates a premature Stop codon at position 54 of the new reading frame, denoted p.Val831ProfsX54. This pathogenic variant is predicted to cause loss of normal protein function either through protein truncation or nonsense-mediated mRNA decay. c.2490_2499del10 is not observed in large population cohorts (Lek et al., 2016).